The following is an entry in ClinVar:

NM_000051.4(ATM):c.537A>T (p.Ser179=)

Gene: ATM (ATM serine/threonine kinase; plus strand). Cytogenetic location: 11q22.3.
Variant type: single nucleotide variant.
Coding change: c.537A>T on transcript NM_000051.4 (MANE Select); coding-DNA position 537, A replaced by T.
Protein change: p.Ser179=; no amino-acid change (serine 179 retained).
Molecular consequence: synonymous variant.
Genome position (GRCh38, 1-based): chr11:108,243,993, A>T. VCF-style: chr11-108243993-A-T. GRCh37 (hg19) VCF-style: chr11-108114720-A-T.
Other names: c.537A>T, p.Ser179= (NM_001351834.2).
Identifiers: ClinVar variation 515191 (VCV000515191.5), dbSNP rs1555066338, ClinGen allele CA476671410.

ClinVar aggregate classification (germline): Likely benign. Review status: criteria provided, multiple submitters, no conflicts (2 of 4 stars). 3 submissions from 3 submitters: Likely benign (3). Last evaluated 2024-09-15.

Conditions:
Hereditary cancer-predisposing syndrome. Also called: Neoplastic Syndromes, Hereditary; Tumor predisposition; Hereditary Cancer Syndrome; Hereditary neoplastic syndrome. Identifiers: Orphanet 140162, MedGen C0027672, MeSH D009386, MONDO:0015356.
Ataxia-telangiectasia syndrome (AT). Also called: ATAXIA-TELANGIECTASIA, COMPLEMENTATION GROUP A; ATAXIA-TELANGIECTASIA, FRESNO VARIANT; Ataxia-telangiectasia; Ataxia-telangiectasia, complementation group D; AT, COMPLEMENTATION GROUP C; Ataxia-telangiectasia, complementation group E. Identifiers: Orphanet 100, MedGen C0004135, MONDO:0008840, OMIM 208900.

Submissions (3):

Labcorp Genetics (formerly Invitae), Labcorp
Classification: Likely benign for Ataxia-telangiectasia syndrome. Last evaluated: 2024-09-15. Review status: criteria provided, single submitter. Criteria: Invitae Variant Classification Sherloc (09022015). Collection method: clinical testing. Allele origin: germline.

Ambry Genetics
Classification: Likely benign for Hereditary cancer-predisposing syndrome. Last evaluated: 2022-03-24. Review status: criteria provided, single submitter. Criteria: Ambry Variant Classification Scheme 2023. Collection method: clinical testing. Allele origin: germline.

GeneDx
Classification: Likely benign. Last evaluated: 2018-01-24. Review status: criteria provided, single submitter. Criteria: GeneDx Variant Classification (06012015). Collection method: clinical testing. Allele origin: germline. Affected: yes.
Comment: This variant is considered likely benign or benign based on one or more of the following criteria: it is a conservative change, it occurs at a poorly conserved position in the protein, it is predicted to be benign by multiple in silico algorithms, and/or has population frequency not consistent with disease.